The following is an entry in ClinVar:

ClinVar aggregate classification (germline): Pathogenic (1 of 4 stars; one submission).

Conditions:
Mucopolysaccharidosis, MPS-II (MPS2). Also called: Hunter Syndrome; IDURONATE 2-SULFATASE DEFICIENCY; Mucopolysaccharidosis Type II; Mucopolysaccharidosis type 2; Attenuated MPS (subtype; formerly known as mild MPS II); Severe MPS II. Identifiers: Orphanet 580, Orphanet 79388, MedGen C0026705, MONDO:0010674, OMIM 309900.

Submission:

Laboratory of Diagnosis and Therapy of Lysosomal Disorders, University of Padova
Classification: Pathogenic for Mucopolysaccharidosis, MPS-II. Last evaluated: 2024-06-07. Review status: criteria provided, single submitter. Criteria: ACMG Guidelines, 2015. Collection method: literature only. Allele origin: germline. Affected: yes. Observed: 2 variant alleles.
Comment: Null variant (PVS1_Strong), In vitro or in vivo functional studies supportive of a damaging effect (PS3_Moderate), Absent from controls (or at low frequency) in gnomAD database (PM2_Moderate), Patient’s phenotype or family history highly specific for the disease (PP4_Moderate)

Classification method: ACMG Guidelines [PMID:25741868] with modifications

Literature cited by the submitters: PubMed 24780617; PubMed 33676511.

NM_000202.8(IDS):c.1288G>T (p.Glu430Ter)

Gene: IDS (iduronate 2-sulfatase; minus strand). Cytogenetic location: Xq28.
Variant type: single nucleotide variant.
Coding change: c.1288G>T on transcript NM_000202.8 (MANE Select); coding-DNA position 1288, G replaced by T.
Protein change: p.Glu430Ter; replaces glutamic acid 430 with a stop codon.
Molecular consequence: nonsense.
Genome position (GRCh38, 1-based): chrX:149,483,111, C>A on the plus strand (G>T on the coding strand, the complement: IDS is on the minus strand). VCF-style: chrX-149483111-C-A. GRCh37 (hg19) VCF-style: chrX-148564642-C-A.
Other names: c.1018G>T, p.Glu340Ter (NM_001166550.4); short protein forms E340*, E430*.
Identifiers: ClinVar variation 3256016 (VCV003256016.2).
Genomic context (GRCh38, chrX:149,483,111, plus strand): 5'-CCTCTTCCAAGTCACGGAATCGAAAATGCTTCAGAAGGTTCTTGCCTTCTCTGCACAGCT[C>A]AACGTGAAATGAAGGAACGGGGCAGCGAGGTGGAACCTGCAGTCCTGCAAGTCCAGCCAG-3'